The following is an entry in ClinVar:

NM_006086.4(TUBB3):c.1215G>A (p.Glu405=)

Gene: TUBB3 (tubulin beta 3 class III; plus strand). Cytogenetic location: 16q24.3.
Variant type: single nucleotide variant.
Coding change: c.1215G>A on transcript NM_006086.4 (MANE Select); coding-DNA position 1215, G replaced by A.
Protein change: p.Glu405=; no amino-acid change (glutamic acid 405 retained).
Molecular consequence: synonymous variant.
Genome position (GRCh38, 1-based): chr16:89,935,666, G>A. VCF-style: chr16-89935666-G-A. GRCh37 (hg19) VCF-style: chr16-90002074-G-A.
Other names: p.E405E:GAG>GAA; p.Glu405=; c.999G>A, p.Glu333= (NM_001197181.2).
Identifiers: ClinVar variation 137858 (VCV000137858.20), dbSNP rs141064323, ClinGen allele CA173787.

ClinVar aggregate classification (germline): Benign/Likely benign. Review status: criteria provided, multiple submitters, no conflicts (2 of 4 stars). 7 submissions from 7 submitters: Benign (2); Likely benign (2). 3 of the submissions do not count toward it. Last evaluated 2026-01-31.

Allele frequency attached by ClinVar (database versions not stated): 1000 Genomes Project 30x 0.00953; 1000 Genomes Project 0.01058; gnomAD exomes 0.01270 and 0.01315; TOPMed 0.00787; gnomAD 0.00809 and 0.00885; ESP Exome Variant Server 0.00811; ExAC 0.01322.
gnomAD v4.1: 20,550 of 1,613,834 alleles (1.3%); highest among the groups gnomAD compares: South Asian, 3.7%; 207 homozygotes.

Submissions (7):

Labcorp Genetics (formerly Invitae), Labcorp
Classification: Likely benign. Last evaluated: 2026-01-31. Review status: criteria provided, single submitter. Criteria: Invitae Variant Classification Sherloc (09022015). Collection method: clinical testing. Allele origin: germline.

Mayo Clinic Laboratories, Mayo Clinic
Classification: Benign. Last evaluated: 2016-04-28. Review status: criteria provided, single submitter. Criteria: ACMG Guidelines, 2015. Collection method: clinical testing. Allele origin: germline. Observed: 59 variant alleles.

GeneDx
Classification: Benign. Last evaluated: 2014-04-01. Review status: criteria provided, single submitter. Criteria: GeneDx Variant Classification (06012015). Collection method: clinical testing. Allele origin: germline. Affected: yes.
Comment: This variant is considered likely benign or benign based on one or more of the following criteria: it is a conservative change, it occurs at a poorly conserved position in the protein, it is predicted to be benign by multiple in silico algorithms, and/or has population frequency not consistent with disease.

Breakthrough Genomics
Classification: Likely benign. Review status: criteria provided, single submitter. Criteria: ACMG Guidelines, 2015. Collection method: not provided. Allele origin: germline. Inheritance: Autosomal dominant inheritance. Affected: yes.

Clinical Genetics DNA and cytogenetics Diagnostics Lab, Erasmus MC, Erasmus Medical Center
Classification: Likely benign. Review status: no assertion criteria provided. Collection method: clinical testing. Allele origin: germline. Affected: yes. Study: VKGL Data-share Consensus. Not counted in ClinVar's aggregate classification.

Clinical Genetics, Academic Medical Center
Classification: Benign. Review status: no assertion criteria provided. Collection method: clinical testing. Allele origin: germline. Affected: yes. Study: VKGL Data-share Consensus. Not counted in ClinVar's aggregate classification.

Genetic Services Laboratory, University of Chicago
Classification: Likely benign. Review status: no assertion criteria provided. Collection method: clinical testing. Allele origin: germline. Inheritance: Autosomal dominant inheritance. Not counted in ClinVar's aggregate classification.
Comment: Likely benign based on allele frequency in 1000 Genomes Project or ESP global frequency and its presence in a patient with a rare or unrelated disease phenotype. NOT Sanger confirmed